The following is an entry in ClinVar:

ClinVar aggregate classification (germline): Conflicting classifications of pathogenicity. Review status: criteria provided, conflicting classifications (1 of 4 stars). 3 submissions from 3 submitters: Uncertain significance (2); Likely benign (1). Last evaluated 2025-10-01.

Conditions:
Hypertrophic cardiomyopathy 26. Also called: Cardiomyopathy, familial hypertrophic, 26. Identifiers: Orphanet 75249, MedGen C4310749, MONDO:0014883, OMIM 617047.
Distal myopathy with posterior leg and anterior hand involvement. Also called: WILLIAMS DISTAL MYOPATHY. Identifiers: Orphanet 63273, MedGen C3279722, MONDO:0013550, OMIM 614065.
Myofibrillar myopathy 5. Also called: Filaminopathy (type); FILAMINOPATHY, AUTOSOMAL DOMINANT. Identifiers: Orphanet 171445, MedGen C1836050, MONDO:0012289, OMIM 609524.
Dilated Cardiomyopathy, Dominant.
Cardiovascular phenotype. Identifiers: MedGen CN230736.

Allele frequency attached by ClinVar (database versions not stated): gnomAD exomes below 0.00001.

Submissions (3):

CeGaT Center for Human Genetics Tuebingen
Classification: Likely benign. Last evaluated: 2025-10-01. Review status: criteria provided, single submitter. Criteria: CeGaT Center For Human Genetics Tuebingen Variant Classification Criteria Version 2. Collection method: clinical testing. Allele origin: germline. Affected: yes. Observed: 1 variant allele.
Comment: FLNC: BP4

Labcorp Genetics (formerly Invitae), Labcorp
Classification: Uncertain significance for Distal myopathy with posterior leg and anterior hand involvement; Myofibrillar myopathy 5; Hypertrophic cardiomyopathy 26. Last evaluated: 2021-08-07. Review status: criteria provided, single submitter. Criteria: Invitae Variant Classification Sherloc (09022015). Collection method: clinical testing. Allele origin: germline.
Comment: This sequence change falls in intron 34 of the FLNC gene. It does not directly change the encoded amino acid sequence of the FLNC protein. It affects a nucleotide within the consensus splice site of the intron. This variant is not present in population databases (ExAC no frequency). In summary, the available evidence is currently insufficient to determine the role of this variant in disease. Therefore, it has been classified as a Variant of Uncertain Significance. Variants that disrupt the consensus splice site are a relatively common cause of aberrant splicing (PMID: 17576681, 9536098). Algorithms developed to predict the effect of sequence changes on RNA splicing suggest that this variant is not likely to affect RNA splicing. This variant has not been reported in the literature in individuals affected with FLNC-related conditions.

Ambry Genetics
Classification: Uncertain significance for Cardiovascular phenotype. Last evaluated: 2020-12-14. Review status: criteria provided, single submitter. Criteria: Ambry Variant Classification Scheme 2023. Collection method: clinical testing. Allele origin: germline.
Comment: The c.5668+3G>A intronic variant results from a G to A substitution 3 nucleotides after coding exon 34 in the FLNC gene. This nucleotide position is not well conserved in available vertebrate species. In silico splice site analysis predicts that this alteration will not have any significant effect on splicing. Since supporting evidence is limited at this time, the clinical significance of this alteration remains unclear.

Literature cited by the submitters: PubMed 17576681 (cited by Labcorp Genetics (formerly Invitae), Labcorp); PubMed 9536098 (cited by Labcorp Genetics (formerly Invitae), Labcorp).

NM_001458.5(FLNC):c.5668+3G>A

Genes: FLNC (filamin C; plus strand), FLNC-AS1 (FLNC antisense RNA 1; minus strand). Cytogenetic location: 7q32.1.
Variant type: single nucleotide variant.
Coding change: c.5668+3G>A on transcript NM_001458.5 (MANE Select); 3 bases into the intron after coding-DNA position 5668, G replaced by A.
Molecular consequence: intron variant.
Genome position (GRCh38, 1-based): chr7:128,851,363, G>A. VCF-style: chr7-128851363-G-A. GRCh37 (hg19) VCF-style: chr7-128491417-G-A.
Other names: c.5569+3G>A (NM_001127487.2).
Identifiers: ClinVar variation 1502585 (VCV001502585.13), dbSNP rs1563001474, ClinGen allele CA1742570755.